The following is an entry in ClinVar:

NM_052989.3(IFT122):c.2437A>G (p.Thr813Ala)

Gene: IFT122 (intraflagellar transport 122; plus strand). Cytogenetic location: 3q22.1.
Variant type: single nucleotide variant.
Coding change: c.2437A>G on transcript NM_052989.3 (MANE Select); coding-DNA position 2437, A replaced by G.
Protein change: p.Thr813Ala; replaces threonine 813 with alanine.
Molecular consequence: missense variant.
Genome position (GRCh38, 1-based): chr3:129,502,772, A>G. VCF-style: chr3-129502772-A-G. GRCh37 (hg19) VCF-style: chr3-129221615-A-G.
Other names: c.2413A>G, p.Thr805Ala (NM_001280541.2); c.1987A>G, p.Thr663Ala (NM_001280545.2); c.1810A>G, p.Thr604Ala (NM_001280546.2); c.2260A>G, p.Thr754Ala (NM_018262.4); c.2590A>G, p.Thr864Ala (NM_052985.4); c.2104A>G, p.Thr702Ala (NM_052990.3); short protein forms T604A, T805A, T864A, T663A, T702A, T813A, T754A.
Identifiers: ClinVar variation 1405271 (VCV001405271.7), dbSNP rs565504126, ClinGen allele CA2606520.

ClinVar aggregate classification (germline): Uncertain significance. Review status: criteria provided, multiple submitters, no conflicts (2 of 4 stars). 2 submissions from 2 submitters: Uncertain significance (2). Last evaluated 2024-05-15.

Conditions:
Cranioectodermal dysplasia 1 (CED1). Also called: LEVIN SYNDROME I. Identifiers: Orphanet 1515, MedGen C0432235, MONDO:0021093, OMIM 218330.

Allele frequency attached by ClinVar (database versions not stated): gnomAD 0.00001 and 0.00002; gnomAD exomes 0.00005 and 0.00020; TOPMed 0.00006; 1000 Genomes Project 30x 0.00016; 1000 Genomes Project 0.00020; ExAC 0.00020.
gnomAD v4.1: 72 of 1,612,770 alleles (0.0045%); highest among the groups gnomAD compares: Admixed American, 0.047%; no homozygotes.

Submissions (2):

Fulgent Genetics
Classification: Uncertain significance for Cranioectodermal dysplasia 1. Last evaluated: 2024-05-15. Review status: criteria provided, single submitter. Criteria: ACMG Guidelines, 2015. Collection method: clinical testing. Allele origin: germline.

Labcorp Genetics (formerly Invitae), Labcorp
Classification: Uncertain significance for Cranioectodermal dysplasia 1. Last evaluated: 2023-08-04. Review status: criteria provided, single submitter. Criteria: Invitae Variant Classification Sherloc (09022015). Collection method: clinical testing. Allele origin: germline.
Comment: This variant is present in population databases (rs565504126, gnomAD 0.08%). This sequence change replaces threonine, which is neutral and polar, with alanine, which is neutral and non-polar, at codon 864 of the IFT122 protein (p.Thr864Ala). This variant has not been reported in the literature in individuals affected with IFT122-related conditions. ClinVar contains an entry for this variant (Variation ID: 1405271). Advanced modeling of protein sequence and biophysical properties (such as structural, functional, and spatial information, amino acid conservation, physicochemical variation, residue mobility, and thermodynamic stability) performed at Invitae indicates that this missense variant is not expected to disrupt IFT122 protein function. In summary, the available evidence is currently insufficient to determine the role of this variant in disease. Therefore, it has been classified as a Variant of Uncertain Significance.